The following is an entry in ClinVar:

NM_172245.4(CSF2RA):c.77-3C>A

Gene: CSF2RA (colony stimulating factor 2 receptor subunit alpha; plus strand). Cytogenetic location: Xp22.33.
Variant type: single nucleotide variant.
Coding change: c.77-3C>A on transcript NM_172245.4 (MANE Select); 3 bases into the intron before coding-DNA position 77, C replaced by A.
Molecular consequence: intron variant.
Genome position (GRCh38, 1-based): chrX:1,285,775, C>A. VCF-style: chrX-1285775-C-A. GRCh37 (hg19) VCF-style: chrX-1404668-C-A.
Other names: c.77-3C>A (NM_001379163.1, NM_001379159.1, NM_001379162.1 and 20 more transcripts); c.-180-2744C>A (NM_001161532.2).
Identifiers: ClinVar variation 1962074 (VCV001962074.5), dbSNP rs2521665089, ClinGen allele CA2580615353.

ClinVar aggregate classification (germline): Uncertain significance (1 of 4 stars; one submission).

Conditions:
Surfactant metabolism dysfunction, pulmonary, 4 (SMDP4). Also called: CSF2RA DEFICIENCY; PAP DUE TO CSF2RA DEFICIENCY; PULMONARY ALVEOLAR PROTEINOSIS, CONGENITAL, 4. Identifiers: Orphanet 264675, MedGen C2677877, MONDO:0010424, OMIM 300770.

Submission:

Labcorp Genetics (formerly Invitae), Labcorp
Classification: Uncertain significance for Surfactant metabolism dysfunction, pulmonary, 4. Last evaluated: 2024-10-16. Review status: criteria provided, single submitter. Criteria: Invitae Variant Classification Sherloc (09022015). Collection method: clinical testing. Allele origin: germline.
Comment: This sequence change falls in intron 3 of the CSF2RA gene. It does not directly change the encoded amino acid sequence of the CSF2RA protein. It affects a nucleotide within the consensus splice site. This variant is not present in population databases (gnomAD no frequency). This variant has not been reported in the literature in individuals affected with CSF2RA-related conditions. ClinVar contains an entry for this variant (Variation ID: 1962074). Variants that disrupt the consensus splice site are a relatively common cause of aberrant splicing (PMID: 17576681, 9536098). Algorithms developed to predict the effect of sequence changes on RNA splicing suggest that this variant may disrupt the consensus splice site. In summary, the available evidence is currently insufficient to determine the role of this variant in disease. Therefore, it has been classified as a Variant of Uncertain Significance.

Literature cited by the submitters: PubMed 17576681; PubMed 9536098.